The following is an entry in ClinVar:

NM_000051.4(ATM):c.8418G>T (p.Met2806Ile)

Genes: ATM (ATM serine/threonine kinase; plus strand), C11orf65 (chromosome 11 open reading frame 65; minus strand). Cytogenetic location: 11q22.3.
Variant type: single nucleotide variant.
Coding change: c.8418G>T on transcript NM_000051.4 (MANE Select); coding-DNA position 8418, G replaced by T.
Protein change: p.Met2806Ile; replaces methionine 2806 with isoleucine.
Molecular consequence: missense variant. On other transcripts: intron variant (2).
Genome position (GRCh38, 1-based): chr11:108,343,371, G>T. VCF-style: chr11-108343371-G-T. GRCh37 (hg19) VCF-style: chr11-108214098-G-T.
Other names: c.8418G>T, p.Met2806Ile (NM_001351834.2); c.641-34300C>A (NM_001330368.2); c.695-8079C>A (NM_001351110.2); short protein forms M2806I.
Identifiers: ClinVar variation 1481088 (VCV001481088.14), dbSNP rs762744146, ClinGen allele CA6266356.
Genomic context (GRCh38, chr11:108,343,371, plus strand): 5'-TGCTCATAAAAGATACAGGCCAAATGATTTCAGTGCCTTTCAGTGCCAAAAGAAAATGAT[G>T]GTGAGTGACACCCAAAATTAAAGGTTATTGTAAGATTATTTAATGGCTTATTAAAGCTGA-3'
Protein context (NP_000042.3, residues 2796-2816): FSAFQCQKKM[Met2806Ile]EVQKKSFEEK

ClinVar aggregate classification (germline): Pathogenic/Likely pathogenic. Review status: criteria provided, multiple submitters, no conflicts (2 of 4 stars). 4 submissions from 4 submitters: Pathogenic (2); Likely pathogenic (2). Last evaluated 2025-04-01.

Conditions:
Hereditary cancer-predisposing syndrome. Also called: Neoplastic Syndromes, Hereditary; Tumor predisposition; Hereditary Cancer Syndrome; Hereditary neoplastic syndrome. Identifiers: Orphanet 140162, MedGen C0027672, MeSH D009386, MONDO:0015356.
Familial cancer of breast. Also called: BREAST CANCER, FAMILIAL; Hereditary breast cancer; hereditary breast carcinoma. Identifiers: Orphanet 227535, MedGen C0346153, MONDO:0016419, OMIM 114480. Disease mechanism: loss of function.
Ataxia-telangiectasia syndrome (AT). Also called: LOUIS-BAR SYNDROME; Cerebello-oculocutaneous telangiectasia; Immunodeficiency with ataxia telangiectasia; Ataxia telangiectasia (A-T); Ataxia-telangiectasia, complementation group D; AT, COMPLEMENTATION GROUP C. Identifiers: Orphanet 100, MedGen C0004135, MONDO:0008840, OMIM 208900.

Allele frequency attached by ClinVar (database versions not stated): gnomAD exomes below 0.00001; ExAC 0.00001.
gnomAD v4.1: 1 of 1,613,716 alleles (0.000062%); highest among the groups gnomAD compares: Non-Finnish European, 0.000085%; no homozygotes.

Submissions (5):

Ambry Genetics
Classification: Likely pathogenic for Hereditary cancer-predisposing syndrome. Last evaluated: 2025-04-01. Review status: criteria provided, single submitter. Criteria: Ambry Variant Classification Scheme 2023. Collection method: clinical testing. Allele origin: germline.
Comment: The c.8418G>T variant (also known as p.M2806I), located in coding exon 56 of the ATM gene, results from a G to T substitution at nucleotide position 8418. The methionine at codon 2806 is replaced by isoleucine, an amino acid with highly similar properties. However, this change occurs in the last base pair of coding exon 56, which makes it likely to have some effect on normal mRNA splicing. RNA studies have demonstrated that this alteration results in abnormal splicing in the set of samples tested (Ambry internal data). In silico splice site analysis predicts that this alteration will weaken the native splice donor site. In addition, as a missense substitution this is predicted to be tolerated by in silico analysis. This nucleotide position is well conserved in available vertebrate species. This amino acid position is not well conserved in available vertebrate species. This variant is considered to be rare based on population cohorts in the Genome Aggregation Database (gnomAD). Based on the majority of available evidence to date, this variant is likely to be pathogenic.

Women's Health and Genetics/Laboratory Corporation of America, LabCorp
Classification: Pathogenic for Ataxia-telangiectasia syndrome. Last evaluated: 2024-12-24. Review status: criteria provided, single submitter. Criteria: LabCorp Variant Classification Summary - May 2015. Collection method: clinical testing. Allele origin: germline.
Comment: Variant summary: ATM c.8418G>T (p.Met2806Ile) results in a conservative amino acid change in the encoded protein sequence. Four of five in-silico tools predict a benign effect of the variant on protein function. Several computational tools predict a significant impact on normal splicing: One predict the variant abolishes the canonical 5' splicing donor site. Three predict the variant weakens the canonical 5' donor site. Internal RNA analysis provides experimental evidence that this variant affects mRNA splicing resulting in the in-frame skipping of exon 57 [NM_000051.3:r.8269_8418del (p.Val2757_Met2806del)]. At-least one additional variant with sufficient pathogenic evidence (c.8293G>A, p.Gly2765Ser) within exon 57 supports a critical relevance of this domain to ATM-protein function. The variant allele was found at a frequency of 4e-06 in 251020 control chromosomes. The available data on variant occurrences in the general population are insufficient to allow any conclusion about variant significance. To our knowledge, no occurrence of c.8418G>T in individuals affected with Ataxia-Telangiectasia and/or ATM-related cancers and no experimental evidence demonstrating its impact on protein function have been reported. ClinVar contains an entry for this variant (Variation ID: 1481088). Based on the evidence outlined above, the variant was classified as pathogenic for AR-Ataxia-Telangiectasia and AD-susceptibility to ATM-related cancers.

Labcorp Genetics (formerly Invitae), Labcorp
Classification: Pathogenic for Ataxia-telangiectasia syndrome. Last evaluated: 2024-02-05. Review status: criteria provided, single submitter. Criteria: Invitae Variant Classification Sherloc (09022015). Collection method: clinical testing. Allele origin: germline.
Comment: This sequence change replaces methionine, which is neutral and non-polar, with isoleucine, which is neutral and non-polar, at codon 2806 of the ATM protein (p.Met2806Ile). RNA analysis indicates that this missense change induces altered splicing and likely results in a shortened protein product. This variant is present in population databases (rs762744146, gnomAD 0.0009%). This variant has not been reported in the literature in individuals affected with ATM-related conditions. ClinVar contains an entry for this variant (Variation ID: 1481088). An algorithm developed to predict the effect of missense changes on protein structure and function (PolyPhen-2) suggests that this variant is likely to be tolerated. Variants that disrupt the consensus splice site are a relatively common cause of aberrant splicing (PMID: 17576681, 9536098). Studies have shown that this missense change results in skipping of exon 57, but is expected to preserve the integrity of the reading-frame (Invitae). This variant disrupts a region of the ATM protein in which other variant(s) (p.Gly2765Ser) have been determined to be pathogenic (PMID: 10534763, 19781682, 21792198). This suggests that this is a clinically significant region of the protein, and that variants that disrupt it are likely to be disease-causing. For these reasons, this variant has been classified as Pathogenic.

Myriad Genetics, Inc.
Classification: Likely pathogenic for Familial cancer of breast. Last evaluated: 2024-02-02. Review status: criteria provided, single submitter. Criteria: Myriad Autosomal Dominant, Autosomal Recessive and X-Linked Classification Criteria (2023). Collection method: clinical testing. Allele origin: unknown.
Comment: This variant is considered likely pathogenic. mRNA analysis has demonstrated abnormal mRNA splicing occurs [Myriad internal data].

Dr. Peter K. Rogan Lab, Western University
No classification provided (evidence only). Condition: Familial cancer of breast. Review status: no classification provided. Collection method: in vitro. Allele origin: not applicable. Functional consequence: skipped exon, retained intron. Not counted in ClinVar's aggregate classification.

Literature cited by the submitters: PubMed 31275557 (cited by Ambry Genetics); PubMed 17576681 (cited by Labcorp Genetics (formerly Invitae), Labcorp); PubMed 9536098 (cited by Labcorp Genetics (formerly Invitae), Labcorp); PubMed 10534763 (cited by Labcorp Genetics (formerly Invitae), Labcorp); PubMed 19781682 (cited by Labcorp Genetics (formerly Invitae), Labcorp); PubMed 21792198 (cited by Labcorp Genetics (formerly Invitae), Labcorp).